The following is an entry in ClinVar:

ClinVar aggregate classification (germline): Uncertain significance (1 of 4 stars; one submission).

Submission:

Labcorp Genetics (formerly Invitae), Labcorp
Classification: Uncertain significance. Last evaluated: 2021-10-05. Review status: criteria provided, single submitter. Criteria: Invitae Variant Classification Sherloc (09022015). Collection method: clinical testing. Allele origin: germline.
Comment: This sequence change replaces isoleucine with phenylalanine at codon 960 of the COL18A1 protein (p.Ile960Phe). There is a small physicochemical difference between isoleucine and phenylalanine. This variant is not present in population databases (ExAC no frequency). This variant has not been reported in the literature in individuals affected with COL18A1-related conditions. Experimental studies and prediction algorithms are not available or were not evaluated, and the functional significance of this variant is currently unknown. In summary, the available evidence is currently insufficient to determine the role of this variant in disease. Therefore, it has been classified as a Variant of Uncertain Significance.

NM_001379500.1(COL18A1):c.2887A>T (p.Ile963Phe)

Genes: COL18A1 (collagen type XVIII alpha 1 chain; plus strand), SLC19A1 (solute carrier family 19 member 1; minus strand). Cytogenetic location: 21q22.3.
Variant type: single nucleotide variant.
Coding change: c.2887A>T on transcript NM_001379500.1 (MANE Select); coding-DNA position 2887, A replaced by T.
Protein change: p.Ile963Phe; replaces isoleucine 963 with phenylalanine.
Molecular consequence: missense variant.
Genome position (GRCh38, 1-based): chr21:45,505,152, A>T. VCF-style: chr21-45505152-A-T. GRCh37 (hg19) VCF-style: chr21-46925066-A-T.
Other names: c.3418A>T, p.Ile1140Phe (NM_030582.4); c.4123A>T, p.Ile1375Phe (NM_130444.3); short protein forms I1375F, I1140F, I963F.
Identifiers: ClinVar variation 1437293 (VCV001437293.6), dbSNP rs2146080657, ClinGen allele CA410499413.